The following is an entry in ClinVar:

ClinVar aggregate classification (germline): Uncertain significance (1 of 4 stars; one submission).

Conditions:
Familial melanoma. Also called: Hereditary melanoma; Hereditary cutaneous melanoma. Identifiers: Orphanet 618, MedGen C1512419, MONDO:0018961.

Submission:

Labcorp Genetics (formerly Invitae), Labcorp
Classification: Uncertain significance for Familial melanoma. Last evaluated: 2022-10-27. Review status: criteria provided, single submitter. Criteria: Invitae Variant Classification Sherloc (09022015). Collection method: clinical testing. Allele origin: germline.
Comment: This variant disrupts the p.Met53 amino acid residue in CDKN2A (p16INK4a). Other variant(s) that disrupt this residue have been determined to be pathogenic (PMID: 8595405, 9328469, 9699728, 16307646, 16905682, 17171691). This suggests that this residue is clinically significant, and that variants that disrupt this residue are likely to be disease-causing. This sequence change replaces methionine, which is neutral and non-polar, with threonine, which is neutral and polar, at codon 53 of the CDKN2A (p16INK4a) protein (p.Met53Thr). This variant is not present in population databases (gnomAD no frequency). This missense change has been observed in individual(s) with melanoma (PMID: 12417717, 21462282). ClinVar contains an entry for this variant (Variation ID: 1480737). Algorithms developed to predict the effect of missense changes on protein structure and function are either unavailable or do not agree on the potential impact of this missense change (SIFT: "Deleterious"; PolyPhen-2: "Probably Damaging"; Align-GVGD: "Class C0"). Experimental studies have shown that this missense change affects CDKN2A (p16INK4a) function (PMID: 8573142, 12417717, 21462282). In summary, the available evidence is currently insufficient to determine the role of this variant in disease. Therefore, it has been classified as a Variant of Uncertain Significance.

Literature cited by the submitters: PubMed 8595405; PubMed 9328469; PubMed 9699728; PubMed 16307646; PubMed 16905682; PubMed 17171691; PubMed 12417717; PubMed 21462282; PubMed 8573142.

NM_000077.5(CDKN2A):c.158T>C (p.Met53Thr)

Gene: CDKN2A (cyclin dependent kinase inhibitor 2A; minus strand). Cytogenetic location: 9p21.3.
Variant type: single nucleotide variant.
Coding change: c.158T>C on transcript NM_000077.5; coding-DNA position 158, T replaced by C.
Protein change: p.Met53Thr; replaces methionine 53 with threonine.
Molecular consequence: missense variant (on NM_000077.6). On other transcripts: synonymous variant (1), 3 prime UTR variant (1).
Genome position (GRCh38, 1-based): chr9:21,971,201, A>G on the plus strand (T>C on the coding strand, the complement: CDKN2A is on the minus strand). VCF-style: chr9-21971201-A-G. GRCh37 (hg19) VCF-style: chr9-21971200-A-G.
Other names: c.158T>C, p.Met53Thr (NM_000077.6, NM_001195132.2); c.5T>C, p.Met2Thr (NM_001363763.2); c.201T>C, p.Asp67= (NM_058195.4); c.*81T>C (NM_058197.5); short protein forms M53T, M2T.
Identifiers: ClinVar variation 1480737 (VCV001480737.8), dbSNP rs2131096665, ClinGen allele CA373086442.